The following is an entry in ClinVar:

ClinVar aggregate classification (germline): Uncertain significance (1 of 4 stars; one submission).

Conditions:
Pitt-Hopkins-like syndrome 2 (PTHSL2). Identifiers: Orphanet 221150, Orphanet 600663, MedGen C3280479, MONDO:0013690, OMIM 614325.

Submission:

Labcorp Genetics (formerly Invitae), Labcorp
Classification: Uncertain significance for Pitt-Hopkins-like syndrome 2. Last evaluated: 2023-09-10. Review status: criteria provided, single submitter. Criteria: Invitae Variant Classification Sherloc (09022015). Collection method: clinical testing. Allele origin: germline.
Comment: This sequence change replaces isoleucine, which is neutral and non-polar, with asparagine, which is neutral and polar, at codon 825 of the NRXN1 protein (p.Ile825Asn). The frequency data for this variant in the population databases is considered unreliable, as metrics indicate poor data quality at this position in the gnomAD database. This variant has not been reported in the literature in individuals affected with NRXN1-related conditions. ClinVar contains an entry for this variant (Variation ID: 2106334). An algorithm developed to predict the effect of missense changes on protein structure and function (PolyPhen-2) suggests that this variant is likely to be tolerated. In summary, the available evidence is currently insufficient to determine the role of this variant in disease. Therefore, it has been classified as a Variant of Uncertain Significance.

NM_001330078.2(NRXN1):c.2354T>A (p.Ile785Asn)

Gene: NRXN1 (neurexin 1; minus strand). Cytogenetic location: 2p16.3.
Variant type: single nucleotide variant.
Coding change: c.2354T>A on transcript NM_001330078.2 (MANE Select); coding-DNA position 2354, T replaced by A.
Protein change: p.Ile785Asn; replaces isoleucine 785 with asparagine.
Molecular consequence: missense variant. On other transcripts: intron variant (7).
Genome position (GRCh38, 1-based): chr2:50,528,645, A>T on the plus strand (T>A on the coding strand, the complement: NRXN1 is on the minus strand). VCF-style: chr2-50528645-A-T. GRCh37 (hg19) VCF-style: chr2-50755783-A-T.
Other names: c.2474T>A, p.Ile825Asn (NM_001135659.3); c.2330T>A, p.Ile777Asn (NM_001330077.2, NM_001330082.2); c.2354T>A, p.Ile785Asn (NM_001330086.2, NM_004801.6); c.2351T>A, p.Ile784Asn (NM_001330093.2); c.2342T>A, p.Ile781Asn (NM_001330094.2); c.2263+2582T>A (NM_001330096.2, NM_001330087.2); c.2308+2582T>A (NM_001330083.2, NM_001330084.2); c.2293+2582T>A (NM_001330088.2); and 2 more; short protein forms I781N, I785N, I784N, I777N, I825N.
Identifiers: ClinVar variation 2106334 (VCV002106334.4), dbSNP rs1260259608, ClinGen allele CA346769375.